The following is an entry in ClinVar:

NM_002637.4(PHKA1):c.1569+272C>T

Gene: PHKA1 (phosphorylase kinase regulatory subunit alpha 1; minus strand). Cytogenetic location: Xq13.1.
Variant type: single nucleotide variant.
Coding change: c.1569+272C>T on transcript NM_002637.4 (MANE Select); 272 bases into the intron after coding-DNA position 1569, C replaced by T.
Molecular consequence: intron variant.
Genome position (GRCh38, 1-based): chrX:72,636,005, G>A on the plus strand (C>T on the coding strand, the complement: PHKA1 is on the minus strand). VCF-style: chrX-72636005-G-A. GRCh37 (hg19) VCF-style: chrX-71855855-G-A.
Other names: c.1569+272C>T (NM_001172436.2, NM_001122670.2).
Identifiers: ClinVar variation 672473 (VCV000672473.1), dbSNP rs190282870, ClinGen allele CA331063449.

ClinVar aggregate classification (germline): Likely benign (1 of 4 stars; one submission).

Allele frequency attached by ClinVar (database versions not stated): gnomAD 0.00615 and 0.00654; TOPMed 0.00707; 1000 Genomes Project 0.00821; 1000 Genomes Project 30x 0.00874.
gnomAD v4.1: 680 of 111,922 alleles (0.61%); highest among the groups gnomAD compares: African/African-American, 2.1%; 7 homozygotes.

Submission:

GeneDx
Classification: Likely benign. Last evaluated: 2018-06-14. Review status: criteria provided, single submitter. Criteria: GeneDx Variant Classification (06012015). Collection method: clinical testing. Allele origin: germline. Affected: yes.
Comment: This variant is considered likely benign or benign based on one or more of the following criteria: it is a conservative change, it occurs at a poorly conserved position in the protein, it is predicted to be benign by multiple in silico algorithms, and/or has population frequency not consistent with disease.